The following is an entry in ClinVar:

ClinVar aggregate classification (germline): Likely benign. Review status: criteria provided, multiple submitters, no conflicts (2 of 4 stars). 4 submissions from 4 submitters: Likely benign (4). Last evaluated 2025-10-03.

Conditions:
CHARGE syndrome (CHARGE). Also called: Coloboma, heart anomaly, choanal atresia, retardation, genital and ear anomalies; CHARGE association; Hall-Hittner syndrome; Hittner Hirsch Kreh syndrome; CHARGE ASSOCIATION--COLOBOMA, HEART ANOMALY, CHOANAL ATRESIA, RETARDATION, GENITAL AND EAR ANOMALIES. Identifiers: Orphanet 138, MedGen C0265354, MONDO:0008965.
Inborn genetic diseases. Identifiers: MedGen C0950123, MeSH D030342.

Allele frequency attached by ClinVar (database versions not stated): TOPMed 0.00002; gnomAD exomes 0.00009; ExAC 0.00012.

Submissions (4):

Labcorp Genetics (formerly Invitae), Labcorp
Classification: Likely benign for CHARGE syndrome. Last evaluated: 2025-10-03. Review status: criteria provided, single submitter. Criteria: Invitae Variant Classification Sherloc (09022015). Collection method: clinical testing. Allele origin: germline.

Blueprint Genetics
Classification: Likely benign. Last evaluated: 2024-08-14. Review status: criteria provided, single submitter. Criteria: ACMG Guidelines, 2015. Collection method: clinical testing. Allele origin: germline.

CeGaT Center for Human Genetics Tuebingen
Classification: Likely benign. Last evaluated: 2024-07-01. Review status: criteria provided, single submitter. Criteria: CeGaT Center For Human Genetics Tuebingen Variant Classification Criteria Version 2. Collection method: clinical testing. Allele origin: germline. Affected: yes. Observed: 1 variant allele.
Comment: CHD7: PP3, BS2

Ambry Genetics
Classification: Likely benign for Inborn genetic diseases. Last evaluated: 2016-12-19. Review status: criteria provided, single submitter. Criteria: Ambry Variant Classification Scheme 2023. Collection method: clinical testing. Allele origin: germline.

NM_017780.4(CHD7):c.6885A>G (p.Ser2295=)

Gene: CHD7 (chromodomain helicase DNA binding protein 7; plus strand). Cytogenetic location: 8q12.2.
Variant type: single nucleotide variant.
Coding change: c.6885A>G on transcript NM_017780.4 (MANE Select); coding-DNA position 6885, A replaced by G.
Protein change: p.Ser2295=; no amino-acid change (serine 2295 retained).
Molecular consequence: synonymous variant. On other transcripts: intron variant (1).
Genome position (GRCh38, 1-based): chr8:60,854,472, A>G. VCF-style: chr8-60854472-A-G. GRCh37 (hg19) VCF-style: chr8-61767031-A-G.
Other names: c.1717-7757A>G (NM_001316690.1).
Identifiers: ClinVar variation 588598 (VCV000588598.34), dbSNP rs752966093, ClinGen allele CA4760682.